The following is an entry in ClinVar:

ClinVar aggregate classification (germline): Conflicting classifications of pathogenicity. Review status: criteria provided, conflicting classifications (1 of 4 stars). 2 submissions from 2 submitters: Pathogenic (1); Uncertain significance (1). Last evaluated 2026-01-15.

Conditions:
Meckel-Gruber syndrome. Also called: Dysencephalia splachnocystica; DYSENCEPHALIA SPLANCHNOCYSTICA; GRUBER SYNDROME. Identifiers: Orphanet 564, MedGen C0265215, MONDO:0018921.
Joubert syndrome. Also called: Familial aplasia of the vermis; CEREBELLOPARENCHYMAL DISORDER IV; JOUBERT-BOLTSHAUSER SYNDROME. Identifiers: Orphanet 475, MedGen C5979921, MONDO:0018772.

Allele frequency attached by ClinVar (database versions not stated): gnomAD exomes 0.00001.
gnomAD v4.1: 12 of 1,613,992 alleles (0.00074%); highest among the groups gnomAD compares: Non-Finnish European, 0.00093%; no homozygotes.

Submissions (2):

Labcorp Genetics (formerly Invitae), Labcorp
Classification: Pathogenic for Joubert syndrome; Meckel-Gruber syndrome. Last evaluated: 2026-01-15. Review status: criteria provided, single submitter. Criteria: Invitae Variant Classification Sherloc (09022015). Collection method: clinical testing. Allele origin: germline.
Comment: This sequence change replaces methionine, which is neutral and non-polar, with valine, which is neutral and non-polar, at codon 710 of the TMEM67 protein (p.Met710Val). This variant is not present in population databases (gnomAD no frequency). This missense change has been observed in individual(s) with clinical features of Joubert syndrome (PMID: 35506549; internal data). In at least one individual the data is consistent with being in trans (on the opposite chromosome) from a pathogenic variant. It has also been observed to segregate with disease in related individuals. ClinVar contains an entry for this variant (Variation ID: 641012). Invitae Evidence Modeling of protein sequence and biophysical properties (such as structural, functional, and spatial information, amino acid conservation, physicochemical variation, residue mobility, and thermodynamic stability) indicates that this missense variant is expected to disrupt TMEM67 protein function with a positive predictive value of 95%. For these reasons, this variant has been classified as Pathogenic.

Women's Health and Genetics/Laboratory Corporation of America, LabCorp
Classification: Uncertain significance. Last evaluated: 2025-12-11. Review status: criteria provided, single submitter. Criteria: LabCorp Variant Classification Summary - May 2015. Collection method: clinical testing. Allele origin: germline.
Comment: Variant summary: TMEM67 c.2128A>G (p.Met710Val) results in a conservative amino acid change in the encoded protein sequence. Algorithms developed to predict the effect of missense changes on protein structure and function are either unavailable or do not agree on the potential impact of this missense change. The variant was absent in 251338 control chromosomes (gnomAD). c.2128A>G has been observed in individuals affected with Joubert Syndrome (Chandler_2022, internal data). These data indicate that the variant may be associated with disease. To our knowledge, no experimental evidence demonstrating an impact on protein function has been reported. The following publication has been ascertained in the context of this evaluation (PMID: 35506549). ClinVar contains an entry for this variant (Variation ID: 641012). Based on the evidence outlined above, the variant was classified as VUS-possibly pathogenic.

Literature cited by the submitters: PubMed 35506549 (cited by Labcorp Genetics (formerly Invitae), Labcorp and Women's Health and Genetics/Laboratory Corporation of America, LabCorp).

NM_153704.6(TMEM67):c.2128A>G (p.Met710Val)

Gene: TMEM67 (transmembrane protein 67; plus strand). Cytogenetic location: 8q22.1.
Variant type: single nucleotide variant.
Coding change: c.2128A>G on transcript NM_153704.6 (MANE Select); coding-DNA position 2128, A replaced by G.
Protein change: p.Met710Val; replaces methionine 710 with valine.
Molecular consequence: missense variant. On other transcripts: non-coding transcript variant (1).
Genome position (GRCh38, 1-based): chr8:93,799,645, A>G. VCF-style: chr8-93799645-A-G. GRCh37 (hg19) VCF-style: chr8-94811873-A-G.
Other names: c.1885A>G, p.Met629Val (NM_001142301.1); short protein forms M629V, M710V.
Identifiers: ClinVar variation 641012 (VCV000641012.12), dbSNP rs112261772, ClinGen allele CA181341875.
Genomic context (GRCh38, chr8:93,799,645, plus strand): 5'-CGTTTAAATTACTACTTTTCCTTTTTACTCCAGGTTGTGGGATTCAAGAACTTAGCATTA[A>G]TGGACTCATCTTCTAGTCTTTCTAGAAACCCACCTAGCTACATAGCTCCTTATAGCTGCA-3'
Protein context (NP_714915.3, residues 700-720): EVVGFKNLAL[Met710Val]DSSSSLSRNP